The following is an entry in ClinVar:

NM_199242.3(UNC13D):c.2525C>T (p.Ala842Val)

Gene: UNC13D (unc-13 homolog D; minus strand). Cytogenetic location: 17q25.1.
Variant type: single nucleotide variant.
Coding change: c.2525C>T on transcript NM_199242.3 (MANE Select); coding-DNA position 2525, C replaced by T.
Protein change: p.Ala842Val; replaces alanine 842 with valine.
Molecular consequence: missense variant.
Genome position (GRCh38, 1-based): chr17:75,831,271, G>A on the plus strand (C>T on the coding strand, the complement: UNC13D is on the minus strand). VCF-style: chr17-75831271-G-A. GRCh37 (hg19) VCF-style: chr17-73827352-G-A.
Other names: short protein forms A842V.
Identifiers: ClinVar variation 1426587 (VCV001426587.6), dbSNP rs749065266, ClinGen allele CA8772486.
Genomic context (GRCh38, chr17:75,831,271, plus strand): 5'-AGGGTTATCATTGCTGTGACCGGTTCTGTTACCTGCAGGGCAATCTTCAGCCTGTTGGAA[G>A]CCAGGGATGAGCTGCGCTGGGAGGCGGCCGCCTCCACCAGCACTGTGAGTGTGTGGGTCC-3'
Protein context (NP_954712.1, residues 832-852): AAASQRSSSL[Ala842Val]SNRLKIALQN

ClinVar aggregate classification (germline): Uncertain significance (1 of 4 stars; one submission).

Conditions:
Familial hemophagocytic lymphohistiocytosis 3 (FHL3). Also called: UNC13D-Related Familial Hemophagocytic Lymphohistiocytosis (UNC13D-fHLH). Identifiers: Orphanet 540, MedGen C1837174, MONDO:0012146, OMIM 608898.

Allele frequency attached by ClinVar (database versions not stated): gnomAD exomes below 0.00001; ExAC 0.00001.
gnomAD v4.1: 5 of 1,614,062 alleles (0.00031%); highest among the groups gnomAD compares: South Asian, 0.0033%; no homozygotes.

Submission:

Labcorp Genetics (formerly Invitae), Labcorp
Classification: Uncertain significance for Familial hemophagocytic lymphohistiocytosis 3. Last evaluated: 2024-12-10. Review status: criteria provided, single submitter. Criteria: Invitae Variant Classification Sherloc (09022015). Collection method: clinical testing. Allele origin: germline.
Comment: This sequence change replaces alanine, which is neutral and non-polar, with valine, which is neutral and non-polar, at codon 842 of the UNC13D protein (p.Ala842Val). This variant is present in population databases (rs749065266, gnomAD 0.003%). This variant has not been reported in the literature in individuals affected with UNC13D-related conditions. ClinVar contains an entry for this variant (Variation ID: 1426587). Invitae Evidence Modeling of protein sequence and biophysical properties (such as structural, functional, and spatial information, amino acid conservation, physicochemical variation, residue mobility, and thermodynamic stability) indicates that this missense variant is not expected to disrupt UNC13D protein function with a negative predictive value of 80%. In summary, the available evidence is currently insufficient to determine the role of this variant in disease. Therefore, it has been classified as a Variant of Uncertain Significance.